The following is an entry in ClinVar:

NM_014991.6(WDFY3):c.6154G>T (p.Val2052Leu)

Gene: WDFY3 (WD repeat and FYVE domain containing 3; minus strand). Cytogenetic location: 4q21.23.
Variant type: single nucleotide variant.
Coding change: c.6154G>T on transcript NM_014991.6 (MANE Select); coding-DNA position 6154, G replaced by T.
Protein change: p.Val2052Leu; replaces valine 2052 with leucine.
Molecular consequence: missense variant.
Genome position (GRCh38, 1-based): chr4:84,741,841, C>A on the plus strand (G>T on the coding strand, the complement: WDFY3 is on the minus strand). VCF-style: chr4-84741841-C-A. GRCh37 (hg19) VCF-style: chr4-85662994-C-A.
Other names: short protein forms V2052L.
Identifiers: ClinVar variation 4086648 (VCV004086648.1).

ClinVar aggregate classification (germline): Uncertain significance (1 of 4 stars; one submission).

gnomAD v4.1: 1 of 1,613,516 alleles (0.000062%); highest among the groups gnomAD compares: South Asian, 0.0011%; no homozygotes.

Submission:

GeneDx
Classification: Uncertain significance. Last evaluated: 2025-03-18. Review status: criteria provided, single submitter. Criteria: GeneDx Variant Classification Process June 2021. Collection method: clinical testing. Allele origin: germline. Affected: yes.
Comment: Not observed at significant frequency in large population cohorts (gnomAD); In silico analysis indicates that this missense variant does not alter protein structure/function; Has not been previously published as pathogenic or benign to our knowledge